The following is an entry in ClinVar:

NM_004991.4(MECOM):c.725T>C (p.Val242Ala)

Gene: MECOM (MDS1 and EVI1 complex locus; minus strand). Cytogenetic location: 3q26.2.
Variant type: single nucleotide variant.
Coding change: c.725T>C on transcript NM_004991.4 (MANE Select); coding-DNA position 725, T replaced by C.
Protein change: p.Val242Ala; replaces valine 242 with alanine.
Molecular consequence: missense variant.
Genome position (GRCh38, 1-based): chr3:169,127,949, A>G on the plus strand (T>C on the coding strand, the complement: MECOM is on the minus strand). VCF-style: chr3-169127949-A-G. GRCh37 (hg19) VCF-style: chr3-168845737-A-G.
Other names: c.353T>C, p.Val118Ala (NM_001105077.4); c.161T>C, p.Val54Ala (NM_001105078.4, NM_001163999.2, NM_001164000.2 and 9 more transcripts); c.725T>C, p.Val242Ala (NM_001366466.2, NM_001366473.2); short protein forms V118A, V242A, V54A.
Identifiers: ClinVar variation 3871706 (VCV003871706.1).

ClinVar aggregate classification (germline): Uncertain significance (1 of 4 stars; one submission).

Conditions:
Inborn genetic diseases. Identifiers: MedGen C0950123, MeSH D030342.

gnomAD v4.1: 9 of 1,613,962 alleles (0.00056%); highest among the groups gnomAD compares: Admixed American, 0.005%; no homozygotes.

Submission:

Ambry Genetics
Classification: Uncertain significance for Inborn genetic diseases. Last evaluated: 2025-01-13. Review status: criteria provided, single submitter. Criteria: Ambry Variant Classification Scheme 2023. Collection method: clinical testing. Allele origin: germline.
Comment: The p.V242A variant (also known as c.725T>C), located in coding exon 5 of the MECOM gene, results from a T to C substitution at nucleotide position 725. The valine at codon 242 is replaced by alanine, an amino acid with similar properties. This amino acid position is conserved. In addition, the in silico prediction for this alteration is inconclusive. Based on the available evidence, the clinical significance of this variant remains unclear.